The following is an entry in ClinVar:

ClinVar aggregate classification (germline): Pathogenic/Likely pathogenic. Review status: criteria provided, multiple submitters, no conflicts (2 of 4 stars). 5 submissions from 5 submitters: Pathogenic (2); Likely pathogenic (1). 2 of the submissions do not count toward it. Last evaluated 2026-03-10.

Conditions:
Neuronopathy, distal hereditary motor, autosomal dominant. Also called: Autosomal dominant distal hereditary motor neuropathy. Identifiers: Orphanet 140465, MedGen C5548212, MONDO:0015362.
Charcot-Marie-Tooth disease axonal type 2S. Also called: CHARCOT-MARIE-TOOTH DISEASE, AXONAL, AUTOSOMAL RECESSIVE, TYPE 2S; CHARCOT-MARIE-TOOTH NEUROPATHY, TYPE 2S. Identifiers: Orphanet 443073, MedGen C4015349, MONDO:0014511, OMIM 616155.
Autosomal recessive distal spinal muscular atrophy 1. Also called: SEVERE INFANTILE AXONAL NEUROPATHY WITH RESPIRATORY FAILURE; SPINAL MUSCULAR ATROPHY, DIAPHRAGMATIC; Spinal muscular atrophy with respiratory distress 1; HMN VI; NEURONOPATHY, DISTAL HEREDITARY MOTOR, HARDING TYPE VI; NEUROPATHY, DISTAL HEREDITARY MOTOR, AUTOSOMAL RECESSIVE 1. Identifiers: Orphanet 98920, MedGen C1858517, MONDO:0011436, OMIM 604320.

Allele frequency attached by ClinVar (database versions not stated): gnomAD exomes 0.00001.
gnomAD v4.1: 53 of 1,596,868 alleles (0.0033%); highest among the groups gnomAD compares: Non-Finnish European, 0.0045%; no homozygotes.

Submissions (5):

Women's Health and Genetics/Laboratory Corporation of America, LabCorp
Classification: Pathogenic for Autosomal recessive distal spinal muscular atrophy 1. Last evaluated: 2026-03-10. Review status: criteria provided, single submitter. Criteria: LabCorp Variant Classification Summary - May 2015. Collection method: clinical testing. Allele origin: germline.
Comment: Variant summary: IGHMBP2 c.2611+1G>T is located in a canonical splice-site and is predicted to affect mRNA splicing resulting in a significantly altered protein due to either exon skipping, shortening, or inclusion of intronic material. Variants that disrupt the consensus splice site are a relatively common cause of aberrant splicing and loss of IGHMBP2 function. Several computational tools predict a significant impact on normal splicing: Four predict the variant abolishes a canonical 5' splicing donor site. However, these predictions have yet to be confirmed by functional studies. The variant allele was found at a frequency of 1.3e-05 in 224298 control chromosomes (gnomAD). c.2611+1G>T has been observed in individuals affected with Autosomal recessive distal spinal muscular atrophy 1 (e.g. Grohmann_2001, Viguier_2019). These data indicate that the variant is likely to be associated with disease. The following publications have been ascertained in the context of this evaluation (PMID: 11528396, 30598237). ClinVar contains an entry for this variant (Variation ID: 9118). Based on the evidence outlined above, the variant was classified as pathogenic.

Labcorp Genetics (formerly Invitae), Labcorp
Classification: Pathogenic for Autosomal recessive distal spinal muscular atrophy 1; Charcot-Marie-Tooth disease axonal type 2S. Last evaluated: 2025-10-02. Review status: criteria provided, single submitter. Criteria: Invitae Variant Classification Sherloc (09022015). Collection method: clinical testing. Allele origin: germline.
Comment: This sequence change affects a donor splice site in intron 13 of the IGHMBP2 gene. It is expected to disrupt RNA splicing. Variants that disrupt the donor or acceptor splice site typically lead to a loss of protein function (PMID: 16199547), and loss-of-function variants in IGHMBP2 are known to be pathogenic (PMID: 14681881, 25439726, 25568292). This variant is present in population databases (rs786205090, gnomAD 0.003%). Disruption of this splice site has been observed in individual(s) with clinical features of IGHMBP2-related conditions (PMID: 11528396). It has also been observed to segregate with disease in related individuals. ClinVar contains an entry for this variant (Variation ID: 9118). Algorithms developed to predict the effect of sequence changes on RNA splicing suggest that this variant may disrupt the consensus splice site. For these reasons, this variant has been classified as Pathogenic.

GeneDx
Classification: Likely pathogenic. Last evaluated: 2021-03-17. Review status: criteria provided, single submitter. Criteria: GeneDx Variant Classification Process June 2021. Collection method: clinical testing. Allele origin: germline. Affected: yes.
Comment: Canonical splice site variant expected to result in aberrant splicing, although in the absence of functional evidence the actual effect of this sequence change is unknown.; Not observed at a significant frequency in large population cohorts (Lek et al., 2016); This variant is associated with the following publications: (PMID: 31980526, 30863264, 25525159, 22157136, 11528396, 25280635)

OMIM
Classification: Pathogenic for NEURONOPATHY, DISTAL HEREDITARY MOTOR, AUTOSOMAL RECESSIVE 1. Last evaluated: 2001-09-01. Review status: no assertion criteria provided. Collection method: literature only. Allele origin: germline. Not counted in ClinVar's aggregate classification.

Inherited Neuropathy Consortium
Classification: Uncertain significance for Autosomal dominant distal hereditary motor neuropathy. Review status: no assertion criteria provided. Collection method: literature only. Allele origin: germline. Affected: yes. Not counted in ClinVar's aggregate classification.

Literature cited by the submitters: PubMed 11528396 (cited by 4 submitters); PubMed 30598237 (cited by Women's Health and Genetics/Laboratory Corporation of America, LabCorp); PubMed 16199547 (cited by Labcorp Genetics (formerly Invitae), Labcorp); PubMed 14681881 (cited by Labcorp Genetics (formerly Invitae), Labcorp); PubMed 25439726 (cited by Labcorp Genetics (formerly Invitae), Labcorp); PubMed 25568292 (cited by Labcorp Genetics (formerly Invitae), Labcorp).

NM_002180.3(IGHMBP2):c.2611+1G>T

Gene: IGHMBP2 (immunoglobulin mu DNA binding protein 2; plus strand). Cytogenetic location: 11q13.3.
Variant type: single nucleotide variant.
Coding change: c.2611+1G>T on transcript NM_002180.3 (MANE Select); the canonical splice donor site of the intron after coding-DNA position 2611, G replaced by T.
Molecular consequence: splice donor variant.
Genome position (GRCh38, 1-based): chr11:68,937,092, G>T. VCF-style: chr11-68937092-G-T. GRCh37 (hg19) VCF-style: chr11-68704560-G-T.
Other names: IVS13, G-T, +1.
Identifiers: ClinVar variation 9118 (VCV000009118.19), dbSNP rs786205090, ClinGen allele CA254655.
Genomic context (GRCh38, chr11:68,937,092, plus strand): 5'-AGGAGCAGCAGGCCTCAGGGCAGCAGAAACTTCCAGAAAAGAAAAAGAAAAAAGCCAAAG[G>T]TAAGTCAACTAATAAGAACTTGGGGCAGTGTCCCCTCACTGGGGTGCTGGCCCCACTTGG-3'